The following is an entry in ClinVar:

NM_001267052.2(UNC45B):c.1612C>T (p.Leu538Phe)

Gene: UNC45B (unc-45 myosin chaperone B; plus strand). Cytogenetic location: 17q12.
Variant type: single nucleotide variant.
Coding change: c.1612C>T on transcript NM_001267052.2 (MANE Select); coding-DNA position 1612, C replaced by T.
Protein change: p.Leu538Phe; replaces leucine 538 with phenylalanine.
Molecular consequence: missense variant. On other transcripts: intron variant (1).
Genome position (GRCh38, 1-based): chr17:35,170,178, C>T. VCF-style: chr17-35170178-C-T. GRCh37 (hg19) VCF-style: chr17-33497197-C-T.
Other names: c.1612C>T, p.Leu538Phe (NM_001033576.2, NM_173167.3); c.1453-1144C>T (NM_001308281.1); short protein forms L538F.
Identifiers: ClinVar variation 2633379 (VCV002633379.1), dbSNP rs2508530240, ClinGen allele CA399092717.
Genomic context (GRCh38, chr17:35,170,178, plus strand): 5'-CTGTGCAATATGTCCATAGACACTCGGACCCGACGCTGGGCAGTGGAGGGCCTGGCCTAC[C>T]TCACGCTGGACGCTGATGTGAAGGACGACTTTGTCCAGGACGTCCCTGCCCTGCAGGCCA-3'
Protein context (NP_001253981.1, residues 528-548): RRWAVEGLAY[Leu538Phe]TLDADVKDDF

ClinVar aggregate classification (germline): Uncertain significance (1 of 4 stars; one submission).

Conditions:
UNC45B-related disorder. Also called: UNC45B-related condition.

Allele frequency attached by ClinVar (database versions not stated): gnomAD exomes below 0.00001.

Submission:

PreventionGenetics, part of Exact Sciences
Classification: Uncertain significance for UNC45B-related condition. Last evaluated: 2023-08-22. Review status: criteria provided, single submitter. Criteria: ACMG Guidelines, 2015. Collection method: clinical testing. Allele origin: germline.
Comment: The UNC45B c.1612C>T variant is predicted to result in the amino acid substitution p.Leu538Phe. To our knowledge, this variant has not been reported in the literature or in a large population database, indicating this variant is rare. At this time, the clinical significance of this variant is uncertain due to the absence of conclusive functional and genetic evidence.